The following is an entry in ClinVar:

NC_000015.9:g.(?_93444468)_(93536248_?)del

Gene: CHD2 (chromodomain helicase DNA binding protein 2; plus strand). Cytogenetic location: 15q26.1.
Variant type: Deletion.
Identifiers: ClinVar variation 1459639 (VCV001459639.6).

ClinVar aggregate classification (germline): Pathogenic (1 of 4 stars; one submission).

Conditions:
Developmental and epileptic encephalopathy 94 (DEE94). Also called: Epileptic encephalopathy, childhood-onset; CHD2-Related Neurodevelopmental Disorders. Identifiers: Orphanet 1942, Orphanet 2382, MedGen C3809278, MONDO:0014150, OMIM 615369.

Submission:

Labcorp Genetics (formerly Invitae), Labcorp
Classification: Pathogenic for Developmental and epileptic encephalopathy 94. Last evaluated: 2021-06-12. Review status: criteria provided, single submitter. Criteria: Invitae Variant Classification Sherloc (09022015). Collection method: clinical testing. Allele origin: germline.
Comment: This variant is a gross deletion of the genomic region encompassing exon(s) 2-28 of the CHD2 gene, which includes the initiator codon. The 5' end of this event is unknown as it extends beyond the assayed region for this gene and therefore may encompass additional genes. The 3' boundary is likely confined to intron 28 of the CHD2 gene. It is expected to result in an absent or disrupted protein product. Loss-of-function variants in CHD2 are known to be pathogenic (PMID: 23708187, 24207121). This variant has not been reported in the literature in individuals with CHD2-related conditions. For these reasons, this variant has been classified as Pathogenic.

Literature cited by the submitters: PubMed 23708187; PubMed 24207121.